The following is an entry in ClinVar:

ClinVar aggregate classification (germline): Likely benign. Review status: criteria provided, multiple submitters, no conflicts (2 of 4 stars). 3 submissions from 3 submitters: Likely benign (3). Last evaluated 2025-09-08.

Conditions:
Malignant hyperthermia, susceptibility to, 1 (MHS1). Also called: RYR1-Related Malignant Hyperthermia Susceptibility; Malignant hyperthermia suceptibility 1; Anesthesia related hyperthermia; Malignant hyperpyrexia; Fulminating hyperpyrexia; Pharmacogenic myopathy. Identifiers: Orphanet 423, MedGen C2930980, MONDO:0007783, OMIM 145600.
RYR1-related disorder. Also called: RYR1-related condition; RYR1-related disorders. Identifiers: MedGen CN239331.

Allele frequency attached by ClinVar (database versions not stated): gnomAD 0.00001; ExAC 0.00002.
gnomAD v4.1: 3 of 1,605,050 alleles (0.00019%); highest among the groups gnomAD compares: Non-Finnish European, 0.00025%; no homozygotes.

Submissions (3):

Labcorp Genetics (formerly Invitae), Labcorp
Classification: Likely benign for RYR1-related disorder. Last evaluated: 2025-09-08. Review status: criteria provided, single submitter. Criteria: Invitae Variant Classification Sherloc (09022015). Collection method: clinical testing. Allele origin: germline.

Blueprint Genetics
Classification: Likely benign. Last evaluated: 2024-03-18. Review status: criteria provided, single submitter. Criteria: ACMG Guidelines, 2015. Collection method: clinical testing. Allele origin: germline.

All of Us Research Program, National Institutes of Health
Classification: Likely benign for Malignant hyperthermia, susceptibility to, 1. Last evaluated: 2023-11-20. Review status: criteria provided, single submitter. Criteria: ACMG Guidelines, 2015. Collection method: clinical testing. Allele origin: germline. Inheritance: Autosomal dominant inheritance. Observed: 1 variant allele, 1 heterozygote.
Comment: This study involves interpretation of variants in research participants for the purpose of population health screening. Participant phenotype was not available at the time of variant classification. Additional details can be found in publication PMID: 35346344, PMCID: PMC8962531

NM_000540.3(RYR1):c.7200C>T (p.Asp2400=)

Gene: RYR1 (ryanodine receptor 1; plus strand). Cytogenetic location: 19q13.2.
Variant type: single nucleotide variant.
Coding change: c.7200C>T on transcript NM_000540.3 (MANE Select); coding-DNA position 7200, C replaced by T.
Protein change: p.Asp2400=; no amino-acid change (aspartic acid 2400 retained).
Molecular consequence: synonymous variant.
Genome position (GRCh38, 1-based): chr19:38,499,807, C>T. VCF-style: chr19-38499807-C-T. GRCh37 (hg19) VCF-style: chr19-38990447-C-T.
Other names: c.7200C>T, p.Asp2400= (NM_001042723.2).
Identifiers: ClinVar variation 3016925 (VCV003016925.5), dbSNP rs781134651, ClinGen allele CA069228.